The following is an entry in ClinVar:

NM_001330078.2(NRXN1):c.2953G>A (p.Asp985Asn)

Gene: NRXN1 (neurexin 1; minus strand). Cytogenetic location: 2p16.3.
Variant type: single nucleotide variant.
Coding change: c.2953G>A on transcript NM_001330078.2 (MANE Select); coding-DNA position 2953, G replaced by A.
Protein change: p.Asp985Asn; replaces aspartic acid 985 with asparagine.
Molecular consequence: missense variant.
Genome position (GRCh38, 1-based): chr2:50,496,022, C>T on the plus strand (G>A on the coding strand, the complement: NRXN1 is on the minus strand). VCF-style: chr2-50496022-C-T. GRCh37 (hg19) VCF-style: chr2-50723160-C-T.
Other names: c.2887G>A, p.Asp963Asn (NM_001330084.2, NM_001330083.2); c.2926G>A, p.Asp976Asn (NM_001330085.2); c.2953G>A, p.Asp985Asn (NM_001330086.2, NM_004801.6); c.2842G>A, p.Asp948Asn (NM_001330087.2, NM_001330096.2); c.3073G>A, p.Asp1025Asn (NM_001135659.3); c.2929G>A, p.Asp977Asn (NM_001330077.2, NM_001330082.2); c.2872G>A, p.Asp958Asn (NM_001330088.2); c.2950G>A, p.Asp984Asn (NM_001330093.2); and 2 more; short protein forms D1025N, D963N, D968N, D976N, D948N, D985N, D977N, D958N.
Identifiers: ClinVar variation 447886 (VCV000447886.8), dbSNP rs1553698631, ClinGen allele CA346776494.

ClinVar aggregate classification (germline): Uncertain significance. Review status: criteria provided, multiple submitters, no conflicts (2 of 4 stars). 2 submissions from 2 submitters: Uncertain significance (2). Last evaluated 2020-05-21.

Conditions:
Pitt-Hopkins-like syndrome 2 (PTHSL2). Identifiers: Orphanet 221150, Orphanet 600663, MedGen C3280479, MONDO:0013690, OMIM 614325.

Submissions (2):

Labcorp Genetics (formerly Invitae), Labcorp
Classification: Uncertain significance for Pitt-Hopkins-like syndrome 2. Last evaluated: 2020-05-21. Review status: criteria provided, single submitter. Criteria: Invitae Variant Classification Sherloc (09022015). Collection method: clinical testing. Allele origin: germline.
Comment: This variant has not been reported in the literature in individuals with NRXN1-related disease. This variant is not present in population databases (ExAC no frequency). This sequence change replaces aspartic acid with asparagine at codon 1025 of the NRXN1 protein (p.Asp1025Asn). The aspartic acid residue is highly conserved and there is a small physicochemical difference between aspartic acid and asparagine. Algorithms developed to predict the effect of missense changes on protein structure and function do not agree on the potential impact of this missense change (SIFT: "Deleterious"; PolyPhen-2: "Probably Damaging"; Align-GVGD: "Class C15"). In summary, the available evidence is currently insufficient to determine the role of this variant in disease. Therefore, it has been classified as a Variant of Uncertain Significance.

Athena Diagnostics
Classification: Uncertain significance. Last evaluated: 2017-06-09. Review status: criteria provided, single submitter. Criteria: Athena Diagnostics Criteria. Collection method: clinical testing. Allele origin: germline.